The following is an entry in ClinVar:

ClinVar aggregate classification (germline): Uncertain significance (1 of 4 stars; one submission).

Conditions:
TRPC6-related disorder. Also called: TRPC6-related condition.

gnomAD v4.1: 1 of 1,613,874 alleles (0.000062%); highest among the groups gnomAD compares: Non-Finnish European, 0.000085%; no homozygotes.

Submission:

PreventionGenetics, part of Exact Sciences
Classification: Uncertain significance for TRPC6-related condition. Last evaluated: 2025-09-14. Review status: criteria provided, single submitter. Criteria: ACMG Guidelines, 2015. Collection method: clinical testing. Allele origin: germline.
Comment: The TRPC6 c.2333T>C variant is predicted to result in the amino acid substitution p.Leu778Pro. To our knowledge, this variant has not been reported in the literature or in a large population database (gnomAD), indicating this variant is rare. At this time, the clinical significance of this variant is uncertain due to the absence of conclusive functional and genetic evidence.

NM_004621.6(TRPC6):c.2333T>C (p.Leu778Pro)

Gene: TRPC6 (transient receptor potential cation channel subfamily C member 6; minus strand). Cytogenetic location: 11q22.1.
Variant type: single nucleotide variant.
Coding change: c.2333T>C on transcript NM_004621.6 (MANE Select); coding-DNA position 2333, T replaced by C.
Protein change: p.Leu778Pro; replaces leucine 778 with proline.
Molecular consequence: missense variant.
Genome position (GRCh38, 1-based): chr11:101,471,259, A>G on the plus strand (T>C on the coding strand, the complement: TRPC6 is on the minus strand). VCF-style: chr11-101471259-A-G. GRCh37 (hg19) VCF-style: chr11-101341990-A-G.
Other names: c.1985T>C, p.Leu662Pro (NM_001439335.1); short protein forms L778P, L662P.
Identifiers: ClinVar variation 4993443 (VCV004993443.1).
Genomic context (GRCh38, chr11:101,471,259, plus strand): 5'-TCTTCCTGGAAACCTTTTTTATGGCCCTGGAACAGCTCAGAAATCCATTTTTTAAGCTTC[A>G]GTAAGAGATAAAACAGGGACTTTGGACTCGGCACCAGATTGAAGGGTACAGGAAGTGTTC-3'
Protein context (NP_004612.2, residues 768-788): PSPKSLFYLL[Leu778Pro]KLKKWISELF